The following is an entry in ClinVar:

ClinVar aggregate classification (germline): Uncertain significance (1 of 4 stars; one submission).

Submission:

GeneDx
Classification: Uncertain significance. Last evaluated: 2026-02-26. Review status: criteria provided, single submitter. Criteria: GeneDx Variant Classification Process June 2021. Collection method: clinical testing. Allele origin: germline.
Comment: Not observed at significant frequency in large population cohorts (gnomAD); In silico analysis supports that this missense variant has a deleterious effect on protein structure/function; Has not been previously published as pathogenic or benign to our knowledge

NM_000069.3(CACNA1S):c.2443G>C (p.Ala815Pro)

Gene: CACNA1S (calcium voltage-gated channel subunit alpha1 S; minus strand). Cytogenetic location: 1q32.1.
Variant type: single nucleotide variant.
Coding change: c.2443G>C on transcript NM_000069.3 (MANE Select); coding-DNA position 2443, G replaced by C.
Protein change: p.Ala815Pro; replaces alanine 815 with proline.
Molecular consequence: missense variant.
Genome position (GRCh38, 1-based): chr1:201,069,519, C>G on the plus strand (G>C on the coding strand, the complement: CACNA1S is on the minus strand). VCF-style: chr1-201069519-C-G. GRCh37 (hg19) VCF-style: chr1-201038647-C-G.
Other names: short protein forms A815P.
Identifiers: ClinVar variation 5007985 (VCV005007985.1).